The following is an entry in ClinVar:

ClinVar aggregate classification (germline): Uncertain significance (1 of 4 stars; one submission).

Conditions:
Hypertrophic cardiomyopathy 1 (CMH1). Also called: MYH7-Related Familial Hypertrophic Cardiomyopathy; Familial hypertrophic cardiomyopathy 1. Identifiers: MedGen C3495498, MONDO:0008647, OMIM 192600.

gnomAD v4.1: 1 of 1,614,034 alleles (0.000062%); highest among the groups gnomAD compares: Non-Finnish European, 0.000085%; no homozygotes.

Submission:

Labcorp Genetics (formerly Invitae), Labcorp
Classification: Uncertain significance for Hypertrophic cardiomyopathy 1. Last evaluated: 2020-02-18. Review status: criteria provided, single submitter. Criteria: Invitae Variant Classification Sherloc (09022015). Collection method: clinical testing. Allele origin: germline.
Comment: This sequence change replaces aspartic acid with asparagine at codon 63 of the MYLK2 protein (p.Asp63Asn). The aspartic acid residue is weakly conserved and there is a small physicochemical difference between aspartic acid and asparagine. This variant is not present in population databases (ExAC no frequency). This variant has not been reported in the literature in individuals with MYLK2-related conditions. Algorithms developed to predict the effect of missense changes on protein structure and function (SIFT, PolyPhen-2, Align-GVGD) all suggest that this variant is likely to be tolerated, but these predictions have not been confirmed by published functional studies and their clinical significance is uncertain. In summary, the available evidence is currently insufficient to determine the role of this variant in disease. Therefore, it has been classified as a Variant of Uncertain Significance.

NM_033118.4(MYLK2):c.187G>A (p.Asp63Asn)

Gene: MYLK2 (myosin light chain kinase 2; plus strand). Cytogenetic location: 20q11.21.
Variant type: single nucleotide variant.
Coding change: c.187G>A on transcript NM_033118.4 (MANE Select); coding-DNA position 187, G replaced by A.
Protein change: p.Asp63Asn; replaces aspartic acid 63 with asparagine.
Molecular consequence: missense variant.
Genome position (GRCh38, 1-based): chr20:31,820,260, G>A. VCF-style: chr20-31820260-G-A. GRCh37 (hg19) VCF-style: chr20-30408063-G-A.
Other names: short protein forms D63N.
Identifiers: ClinVar variation 1057640 (VCV001057640.9), dbSNP rs779321042, ClinGen allele CA408525097.